The following is an entry in ClinVar:

NM_001367624.2(ZNF469):c.7589G>C (p.Ser2530Thr)

Gene: ZNF469 (zinc finger protein 469; plus strand). Cytogenetic location: 16q24.2.
Variant type: single nucleotide variant.
Coding change: c.7589G>C on transcript NM_001367624.2 (MANE Select); coding-DNA position 7589, G replaced by C.
Protein change: p.Ser2530Thr; replaces serine 2530 with threonine.
Molecular consequence: missense variant.
Genome position (GRCh38, 1-based): chr16:88,435,059, G>C. VCF-style: chr16-88435059-G-C. GRCh37 (hg19) VCF-style: chr16-88501467-G-C.
Other names: NM_001127464.1:c.7505G>C; short protein forms S2530T.
Identifiers: ClinVar variation 1759230 (VCV001759230.3), dbSNP rs950651470, ClinGen allele CA286382959.

ClinVar aggregate classification (germline): Uncertain significance (1 of 4 stars; one submission).

Conditions:
Cardiovascular phenotype. Identifiers: MedGen CN230736.

gnomAD v4.1: 4 of 1,550,286 alleles (0.00026%); highest among the groups gnomAD compares: African/African-American, 0.0055%; no homozygotes.

Submission:

Ambry Genetics
Classification: Uncertain significance for Cardiovascular phenotype. Last evaluated: 2024-05-11. Review status: criteria provided, single submitter. Criteria: Ambry Variant Classification Scheme 2023. Collection method: clinical testing. Allele origin: germline.
Comment: The p.S2502T variant (also known as c.7505G>C), located in coding exon 2 of the ZNF469 gene, results from a G to C substitution at nucleotide position 7505. The serine at codon 2502 is replaced by threonine, an amino acid with similar properties. This amino acid position is conserved. In addition, this alteration is predicted to be tolerated by in silico analysis. Since supporting evidence is limited at this time, the clinical significance of this alteration remains unclear.